The following is an entry in ClinVar:

NM_001244008.2(KIF1A):c.2978-51C>T

Gene: KIF1A (kinesin family member 1A; minus strand). Cytogenetic location: 2q37.3.
Variant type: single nucleotide variant.
Coding change: c.2978-51C>T on transcript NM_001244008.2 (MANE Select); 51 bases into the intron before coding-DNA position 2978, C replaced by T.
Molecular consequence: intron variant.
Genome position (GRCh38, 1-based): chr2:240,747,372, G>A on the plus strand (C>T on the coding strand, the complement: KIF1A is on the minus strand). VCF-style: chr2-240747372-G-A. GRCh37 (hg19) VCF-style: chr2-241686789-G-A.
Other names: c.2675-51C>T (NM_001379653.1, NM_001379650.1, NM_001379640.1 and 6 more transcripts); c.2951-51C>T (NM_001379645.1, NM_001379633.1, NM_001379642.1); c.2777-51C>T (NM_001379635.1, NM_001330290.2, NM_001379646.1 and 1 more transcripts); c.2927-51C>T (NM_001379632.1); c.2750-51C>T (NM_001379637.1, NM_001379648.1); c.2702-51C>T (NM_001320705.2, NM_001379638.1, NM_001330289.2); c.3053-51C>T (NM_001379631.1).
Identifiers: ClinVar variation 682841 (VCV000682841.2), dbSNP rs115376815, ClinGen allele CA11176584.

ClinVar aggregate classification (germline): Benign. Review status: criteria provided, multiple submitters, no conflicts (2 of 4 stars). 2 submissions from 2 submitters: Benign (2). Last evaluated 2018-06-16.

Allele frequency attached by ClinVar (database versions not stated): ESP Exome Variant Server 0.03848; gnomAD 0.03898 and 0.03986; TOPMed 0.04445; 1000 Genomes Project 0.05072; 1000 Genomes Project 30x 0.05169.
gnomAD v4.1: 31,781 of 1,498,350 alleles (2.1%); highest among the groups gnomAD compares: African/African-American, 9.3%; 681 homozygotes.

Submissions (2):

GeneDx
Classification: Benign. Last evaluated: 2018-06-16. Review status: criteria provided, single submitter. Criteria: GeneDx Variant Classification (06012015). Collection method: clinical testing. Allele origin: germline. Affected: yes.
Comment: This variant is considered likely benign or benign based on one or more of the following criteria: it is a conservative change, it occurs at a poorly conserved position in the protein, it is predicted to be benign by multiple in silico algorithms, and/or has population frequency not consistent with disease.

Breakthrough Genomics
Classification: Benign. Review status: criteria provided, single submitter. Criteria: ACMG Guidelines, 2015. Collection method: not provided. Allele origin: germline. Inheritance: Autosomal recessive inheritance. Affected: yes.